The following is an entry in ClinVar:

NM_203290.4(POLR1C):c.901C>G (p.Arg301Gly)

Gene: POLR1C (RNA polymerase I and III subunit C; plus strand). Cytogenetic location: 6p21.1.
Variant type: single nucleotide variant.
Coding change: c.901C>G on transcript NM_203290.4 (MANE Select); coding-DNA position 901, C replaced by G.
Protein change: p.Arg301Gly; replaces arginine 301 with glycine.
Molecular consequence: missense variant.
Genome position (GRCh38, 1-based): chr6:43,521,027, C>G. VCF-style: chr6-43521027-C-G. GRCh37 (hg19) VCF-style: chr6-43488765-C-G.
Other names: c.901C>G, p.Arg301Gly (NM_001318876.2, NM_001363658.2); c.901C>G (NM_203290.3); short protein forms R301G.
Identifiers: ClinVar variation 3308775 (VCV003308775.2).

ClinVar aggregate classification (germline): Uncertain significance. Review status: criteria provided, multiple submitters, no conflicts (2 of 4 stars). 2 submissions from 2 submitters: Uncertain significance (2). Last evaluated 2026-03-20.

Conditions:
Inborn genetic diseases. Identifiers: MedGen C0950123, MeSH D030342.
POLR1C-related disorder. Also called: POLR1C-related condition; POLR1C-related disorders. Identifiers: MedGen CN239394, MONDO:0700278.

gnomAD v4.1: 5 of 1,613,832 alleles (0.00031%); highest among the groups gnomAD compares: African/African-American, 0.0053%; no homozygotes.

Submissions (2):

PreventionGenetics, part of Exact Sciences
Classification: Uncertain significance for POLR1C-related condition. Last evaluated: 2026-03-20. Review status: criteria provided, single submitter. Criteria: ACMG Guidelines, 2015. Collection method: clinical testing. Allele origin: germline.
Comment: The POLR1C c.901C>G variant is predicted to result in the amino acid substitution p.Arg301Gly. To our knowledge, this variant has not been reported in the literature. This variant is reported in 0.011% of alleles in individuals of African descent in gnomAD. At this time, the clinical significance of this variant is uncertain due to the absence of conclusive functional and genetic evidence.

Ambry Genetics
Classification: Uncertain significance for Inborn genetic diseases. Last evaluated: 2024-05-20. Review status: criteria provided, single submitter. Criteria: Ambry Variant Classification Scheme 2023. Collection method: clinical testing. Allele origin: germline.